The following is an entry in ClinVar:

ClinVar aggregate classification (germline): Uncertain significance (1 of 4 stars; one submission).

Conditions:
Ataxia-telangiectasia syndrome (AT). Also called: Ataxia-telangiectasia, complementation group D; LOUIS-BAR SYNDROME; ATAXIA-TELANGIECTASIA, COMPLEMENTATION GROUP A; ATAXIA-TELANGIECTASIA, FRESNO VARIANT; Ataxia telangiectasia (A-T); Cerebello-oculocutaneous telangiectasia. Identifiers: Orphanet 100, MedGen C0004135, MONDO:0008840, OMIM 208900.

Allele frequency attached by ClinVar (database versions not stated): gnomAD exomes below 0.00001.
gnomAD v4.1: 1 of 1,613,154 alleles (0.000062%); highest among the groups gnomAD compares: Non-Finnish European, 0.000085%; no homozygotes.

Submission:

Labcorp Genetics (formerly Invitae), Labcorp
Classification: Uncertain significance for Ataxia-telangiectasia syndrome. Last evaluated: 2023-10-06. Review status: criteria provided, single submitter. Criteria: Invitae Variant Classification Sherloc (09022015). Collection method: clinical testing. Allele origin: germline.
Comment: This sequence change replaces asparagine, which is neutral and polar, with aspartic acid, which is acidic and polar, at codon 1784 of the ATM protein (p.Asn1784Asp). This variant is not present in population databases (gnomAD no frequency). This variant has not been reported in the literature in individuals affected with ATM-related conditions. Algorithms developed to predict the effect of missense changes on protein structure and function output the following: SIFT: "Not Available"; PolyPhen-2: "Benign"; Align-GVGD: "Not Available". The aspartic acid amino acid residue is found in multiple mammalian species, which suggests that this missense change does not adversely affect protein function. In summary, the available evidence is currently insufficient to determine the role of this variant in disease. Therefore, it has been classified as a Variant of Uncertain Significance.

NM_000051.4(ATM):c.5350A>G (p.Asn1784Asp)

Gene: ATM (ATM serine/threonine kinase; plus strand). Cytogenetic location: 11q22.3.
Variant type: single nucleotide variant.
Coding change: c.5350A>G on transcript NM_000051.4 (MANE Select); coding-DNA position 5350, A replaced by G.
Protein change: p.Asn1784Asp; replaces asparagine 1784 with aspartic acid.
Molecular consequence: missense variant.
Genome position (GRCh38, 1-based): chr11:108,302,883, A>G. VCF-style: chr11-108302883-A-G. GRCh37 (hg19) VCF-style: chr11-108173610-A-G.
Other names: c.5350A>G, p.Asn1784Asp (NM_001351834.2); short protein forms N1784D.
Identifiers: ClinVar variation 2766359 (VCV002766359.3), dbSNP rs2135927632, ClinGen allele CA382543257.